The following is an entry in ClinVar:

NM_001164508.2(NEB):c.5680A>G (p.Arg1894Gly)

Gene: NEB (nebulin; minus strand). Cytogenetic location: 2q23.3.
Variant type: single nucleotide variant.
Coding change: c.5680A>G on transcript NM_001164508.2 (MANE Select); coding-DNA position 5680, A replaced by G.
Protein change: p.Arg1894Gly; replaces arginine 1894 with glycine.
Molecular consequence: missense variant.
Genome position (GRCh38, 1-based): chr2:151,663,631, T>C on the plus strand (A>G on the coding strand, the complement: NEB is on the minus strand). VCF-style: chr2-151663631-T-C. GRCh37 (hg19) VCF-style: chr2-152520145-T-C.
Other names: c.5680A>G, p.Arg1894Gly (NM_001164507.2, NM_001271208.2, NM_004543.5); short protein forms R1894G.
Identifiers: ClinVar variation 465617 (VCV000465617.24), dbSNP rs150961139, ClinGen allele CA1910312.
Genomic context (GRCh38, chr2:151,663,631, plus strand): 5'-TTTTGGCCAATTCAAAGCTCATGGCATCAGGAAGCATGTTGTAGGTATGGATCACGTTCC[T>C]GTAGTTGGCATTGGTGGCCACTTCCTGAGACTTCTTGGCTGCCACCACACTGAGCATGTC-3'
Protein context (NP_001157980.2, residues 1884-1904): SQEVATNANY[Arg1894Gly]NVIHTYNMLP

ClinVar aggregate classification (germline): Conflicting classifications of pathogenicity. Review status: criteria provided, conflicting classifications (1 of 4 stars). 8 submissions from 8 submitters: Uncertain significance (6); Likely benign (1). 1 of the submissions does not count toward it. Last evaluated 2026-01-24.

Conditions:
Inborn genetic diseases. Identifiers: MedGen C0950123, MeSH D030342.
Nemaline myopathy 2 (NEM2). Also called: Nemaline myopathy 2, autosomal recessive. Identifiers: MedGen C1850569, MONDO:0009725, OMIM 256030.

Allele frequency attached by ClinVar (database versions not stated): 1000 Genomes Project 30x 0.00016; TOPMed 0.00026; ESP Exome Variant Server 0.00032.
gnomAD v4.1: 707 of 1,613,846 alleles (0.044%); highest among the groups gnomAD compares: Non-Finnish European, 0.057%; no homozygotes.

Submissions (8):

Labcorp Genetics (formerly Invitae), Labcorp
Classification: Likely benign for Nemaline myopathy 2. Last evaluated: 2026-01-24. Review status: criteria provided, single submitter. Criteria: Invitae Variant Classification Sherloc (09022015). Collection method: clinical testing. Allele origin: germline.

Ambry Genetics
Classification: Uncertain significance for Inborn genetic diseases. Last evaluated: 2025-06-23. Review status: criteria provided, single submitter. Criteria: Ambry Variant Classification Scheme 2023. Collection method: clinical testing. Allele origin: germline.

Athena Diagnostics
Classification: Uncertain significance. Last evaluated: 2025-06-03. Review status: criteria provided, single submitter. Criteria: Athena Diagnostics Criteria. Collection method: clinical testing. Allele origin: unknown.
Comment: Available data are insufficient to determine the clinical significance of the variant at this time. The frequency of this variant in the general population is uninformative in assessment of its pathogenicity. Polyphen and MutationTaster predict this amino acid change may be benign.

GeneDx
Classification: Uncertain significance. Last evaluated: 2025-01-19. Review status: criteria provided, single submitter. Criteria: GeneDx Variant Classification Process June 2021. Collection method: clinical testing. Allele origin: germline. Affected: yes.
Comment: Has not been previously published as pathogenic or benign to our knowledge; In silico analysis supports that this missense variant has a deleterious effect on protein structure/function

Revvity Omics, Revvity
Classification: Uncertain significance. Last evaluated: 2024-05-16. Review status: criteria provided, single submitter. Criteria: ACMG Guidelines, 2015. Collection method: clinical testing. Allele origin: germline.

Knight Diagnostic Laboratories, Oregon Health and Sciences University
Classification: Uncertain significance for Nemaline myopathy 2. Last evaluated: 2019-11-18. Review status: criteria provided, single submitter. Criteria: ACMG Guidelines, 2015. Collection method: clinical testing. Allele origin: germline. Observed: 1 variant allele.

Illumina Laboratory Services, Illumina
Classification: Uncertain significance for Nemaline myopathy 2. Last evaluated: 2018-01-13. Review status: criteria provided, single submitter. Criteria: ICSL Variant Classification Criteria 13 December 2019. Collection method: clinical testing. Allele origin: germline.

Natera, Inc.
Classification: Uncertain significance for Nemaline myopathy type 2. Last evaluated: 2019-11-11. Review status: no assertion criteria provided. Collection method: clinical testing. Allele origin: germline. Not counted in ClinVar's aggregate classification.